The following is an entry in ClinVar:

ClinVar aggregate classification (germline): Likely benign. Review status: criteria provided, single submitter (1 of 4 stars). 2 submissions from 2 submitters: Likely benign (1). 1 of the submissions does not count toward it. Last evaluated 2025-01-27.

Conditions:
HPS4-related disorder. Also called: HPS4-related condition.

Allele frequency attached by ClinVar (database versions not stated): ExAC 0.00001; TOPMed 0.00003; gnomAD 0.00006.
gnomAD v4.1: 24 of 1,614,100 alleles (0.0015%); highest among the groups gnomAD compares: South Asian, 0.0088%; 1 homozygote.

Submissions (2):

Labcorp Genetics (formerly Invitae), Labcorp
Classification: Likely benign. Last evaluated: 2025-01-27. Review status: criteria provided, single submitter. Criteria: Invitae Variant Classification Sherloc (09022015). Collection method: clinical testing. Allele origin: germline.

PreventionGenetics, part of Exact Sciences
Classification: Likely benign for HPS4-related condition. Last evaluated: 2019-06-24. Review status: no assertion criteria provided. Collection method: clinical testing. Allele origin: germline. Not counted in ClinVar's aggregate classification.
Comment: This variant is classified as likely benign based on ACMG/AMP sequence variant interpretation guidelines (Richards et al. 2015 PMID: 25741868, with internal and published modifications).

NM_022081.6(HPS4):c.1614C>T (p.Leu538=)

Gene: HPS4 (HPS4 biogenesis of lysosomal organelles complex 3 subunit 2; minus strand). Cytogenetic location: 22q12.1.
Variant type: single nucleotide variant.
Coding change: c.1614C>T on transcript NM_022081.6 (MANE Select); coding-DNA position 1614, C replaced by T.
Protein change: p.Leu538=; no amino-acid change (leucine 538 retained).
Molecular consequence: synonymous variant. On other transcripts: non-coding transcript variant (8).
Genome position (GRCh38, 1-based): chr22:26,464,016, G>A on the plus strand (C>T on the coding strand, the complement: HPS4 is on the minus strand). VCF-style: chr22-26464016-G-A. GRCh37 (hg19) VCF-style: chr22-26859982-G-A.
Other names: c.1614C>T, p.Leu538= (NM_001349896.1, NM_001349898.2, NM_001349899.2 and 5 more transcripts); c.1668C>T, p.Leu556= (NM_001349900.2, NM_001349901.1); c.1599C>T, p.Leu533= (NM_152841.2).
Identifiers: ClinVar variation 1935376 (VCV001935376.7), dbSNP rs748133574, ClinGen allele CA10163278.
Genomic context (GRCh38, chr22:26,464,016, plus strand): 5'-CTCAGCCAGCAGGGACAGCACCAGCCCTTTGACGCAGTGAGTGTAGAGATTCATCCTCAC[G>A]AGCCCCATGCAGGACTCTGCTGGTGTCAGCCTGGAGCTGATTCCATCTGCAGAGGGGCCA-3'
Protein context (NP_071364.4, residues 528-548): RLTPAESCMG[Leu538=]VRMNLYTHCV